The following is an entry in ClinVar:

NM_001256012.3(MYH10):c.2728G>A (p.Glu910Lys)

Genes: MYH10 (myosin heavy chain 10; minus strand), LOC126862486 (BRD4-independent group 4 enhancer GRCh37_chr17:8416542-8417741; plus strand). Cytogenetic location: 17p13.1.
Variant type: single nucleotide variant.
Coding change: c.2728G>A on transcript NM_001256012.3 (MANE Select); coding-DNA position 2728, G replaced by A.
Protein change: p.Glu910Lys; replaces glutamic acid 910 with lysine.
Molecular consequence: missense variant.
Genome position (GRCh38, 1-based): chr17:8,513,555, C>T on the plus strand (G>A on the coding strand, the complement: MYH10 is on the minus strand). VCF-style: chr17-8513555-C-T. GRCh37 (hg19) VCF-style: chr17-8416873-C-T.
Other names: c.2662G>A, p.Glu888Lys (NM_001256095.2); c.2665G>A, p.Glu889Lys (NM_001375266.1); c.2635G>A, p.Glu879Lys (NM_005964.5); short protein forms E879K, E888K, E889K, E910K.
Identifiers: ClinVar variation 3769839 (VCV003769839.1).

ClinVar aggregate classification (germline): Uncertain significance (1 of 4 stars; one submission).

Submission:

GeneDx
Classification: Uncertain significance. Last evaluated: 2024-09-17. Review status: criteria provided, single submitter. Criteria: GeneDx Variant Classification Process June 2021. Collection method: clinical testing. Allele origin: germline. Affected: yes.
Comment: Not observed at significant frequency in large population cohorts (gnomAD); In silico analysis supports that this missense variant has a deleterious effect on protein structure/function; Has not been previously published as pathogenic or benign to our knowledge